The following is an entry in ClinVar:

NM_014946.4(SPAST):c.1332T>G (p.Asp444Glu)

Gene: SPAST (spastin; plus strand). Cytogenetic location: 2p22.3.
Variant type: single nucleotide variant.
Coding change: c.1332T>G on transcript NM_014946.4 (MANE Select); coding-DNA position 1332, T replaced by G.
Protein change: p.Asp444Glu; replaces aspartic acid 444 with glutamic acid.
Molecular consequence: missense variant.
Genome position (GRCh38, 1-based): chr2:32,136,887, T>G. VCF-style: chr2-32136887-T-G. GRCh37 (hg19) VCF-style: chr2-32361956-T-G.
Other names: c.1329T>G, p.Asp443Glu (NM_001363823.2); c.1233T>G, p.Asp411Glu (NM_001363875.2); c.1236T>G, p.Asp412Glu (NM_001377959.1, NM_199436.2); short protein forms D412E, D443E, D444E, D411E.
Identifiers: ClinVar variation 4746959 (VCV004746959.1).

ClinVar aggregate classification (germline): Uncertain significance (1 of 4 stars; one submission).

Conditions:
Hereditary spastic paraplegia 4. Also called: Spastic paraplegia 4, autosomal dominant; Spastic Paraplegia 4; Familial spastic paraplegia autosomal dominant 2. Identifiers: Orphanet 100985, MedGen C1866855, MONDO:0008438, OMIM 182601.

Submission:

Labcorp Genetics (formerly Invitae), Labcorp
Classification: Uncertain significance for Hereditary spastic paraplegia 4. Last evaluated: 2025-09-10. Review status: criteria provided, single submitter. Criteria: Invitae Variant Classification Sherloc (09022015). Collection method: clinical testing. Allele origin: germline.
Comment: This sequence change replaces aspartic acid, which is acidic and polar, with glutamic acid, which is acidic and polar, at codon 444 of the SPAST protein (p.Asp444Glu). This variant is not present in population databases (gnomAD no frequency). This missense change has been observed in individuals with sporadic spastic paraplegia (PMID: 16055926, 30476002). Invitae Evidence Modeling of protein sequence and biophysical properties (such as structural, functional, and spatial information, amino acid conservation, physicochemical variation, residue mobility, and thermodynamic stability) indicates that this missense variant is not expected to disrupt SPAST protein function with a negative predictive value of 80%. This variant disrupts the p.Asp444 amino acid residue in SPAST. Other variant(s) that disrupt this residue have been observed in individuals with SPAST-related conditions (PMID: 26671083, 30476002, 35082646), which suggests that this may be a clinically significant amino acid residue. In summary, the available evidence is currently insufficient to determine the role of this variant in disease. Therefore, it has been classified as a Variant of Uncertain Significance.

Literature cited by the submitters: PubMed 16055926; PubMed 30476002; PubMed 26671083; PubMed 35082646.